The following is an entry in ClinVar:

NM_001286445.3(RIPOR2):c.1860C>G (p.Cys620Trp)

Gene: RIPOR2 (RHO family interacting cell polarization regulator 2; minus strand). Cytogenetic location: 6p22.3.
Variant type: single nucleotide variant.
Coding change: c.1860C>G on transcript NM_001286445.3 (MANE Select); coding-DNA position 1860, C replaced by G.
Protein change: p.Cys620Trp; replaces cysteine 620 with tryptophan.
Molecular consequence: missense variant.
Genome position (GRCh38, 1-based): chr6:24,839,270, G>C on the plus strand (C>G on the coding strand, the complement: RIPOR2 is on the minus strand). VCF-style: chr6-24839270-G-C. GRCh37 (hg19) VCF-style: chr6-24839498-G-C.
Other names: c.1773C>G, p.Cys591Trp (NM_001346031.2, NM_001346032.2); c.1923C>G, p.Cys641Trp (NM_014722.5); short protein forms C591W, C620W, C641W.
Identifiers: ClinVar variation 3670054 (VCV003670054.2).

ClinVar aggregate classification (germline): Uncertain significance (1 of 4 stars; one submission).

Submission:

Labcorp Genetics (formerly Invitae), Labcorp
Classification: Uncertain significance. Last evaluated: 2024-05-31. Review status: criteria provided, single submitter. Criteria: Invitae Variant Classification Sherloc (09022015). Collection method: clinical testing. Allele origin: germline.
Comment: This sequence change replaces cysteine, which is neutral and slightly polar, with tryptophan, which is neutral and slightly polar, at codon 641 of the FAM65B protein (p.Cys641Trp). This variant is not present in population databases (gnomAD no frequency). This variant has not been reported in the literature in individuals affected with FAM65B-related conditions. An algorithm developed to predict the effect of missense changes on protein structure and function (PolyPhen-2) suggests that this variant is likely to be disruptive. In summary, the available evidence is currently insufficient to determine the role of this variant in disease. Therefore, it has been classified as a Variant of Uncertain Significance.